The following is an entry in ClinVar:

ClinVar aggregate classification (germline): Uncertain significance. Review status: criteria provided, multiple submitters, no conflicts (2 of 4 stars). 2 submissions from 2 submitters: Uncertain significance (2). Last evaluated 2024-04-29.

Conditions:
Hereditary cancer-predisposing syndrome. Also called: Tumor predisposition; Hereditary neoplastic syndrome; Neoplastic Syndromes, Hereditary; Hereditary Cancer Syndrome. Identifiers: Orphanet 140162, MedGen C0027672, MeSH D009386, MONDO:0015356.

Submissions (2):

Ambry Genetics
Classification: Uncertain significance for Hereditary cancer-predisposing syndrome. Last evaluated: 2024-04-29. Review status: criteria provided, single submitter. Criteria: Ambry Variant Classification Scheme 2023. Collection method: clinical testing. Allele origin: germline.
Comment: The p.V166A variant (also known as c.497T>C), located in coding exon 6 of the POLE gene, results from a T to C substitution at nucleotide position 497. The valine at codon 166 is replaced by alanine, an amino acid with similar properties. This amino acid position is conserved. In addition, this alteration is predicted to be tolerated by in silico analysis. Based on the available evidence, the clinical significance of this variant remains unclear.

Labcorp Genetics (formerly Invitae), Labcorp
Classification: Uncertain significance. Last evaluated: 2022-07-11. Review status: criteria provided, single submitter. Criteria: Invitae Variant Classification Sherloc (09022015). Collection method: clinical testing. Allele origin: germline.
Comment: In summary, the available evidence is currently insufficient to determine the role of this variant in disease. Therefore, it has been classified as a Variant of Uncertain Significance. Algorithms developed to predict the effect of missense changes on protein structure and function (SIFT, PolyPhen-2, Align-GVGD) all suggest that this variant is likely to be tolerated. ClinVar contains an entry for this variant (Variation ID: 1497626). This variant has not been reported in the literature in individuals affected with POLE-related conditions. This variant is not present in population databases (gnomAD no frequency). This sequence change replaces valine, which is neutral and non-polar, with alanine, which is neutral and non-polar, at codon 166 of the POLE protein (p.Val166Ala).

NM_006231.4(POLE):c.497T>C (p.Val166Ala)

Gene: POLE (DNA polymerase epsilon, catalytic subunit; minus strand). Cytogenetic location: 12q24.33.
Variant type: single nucleotide variant.
Coding change: c.497T>C on transcript NM_006231.4 (MANE Select); coding-DNA position 497, T replaced by C.
Protein change: p.Val166Ala; replaces valine 166 with alanine.
Molecular consequence: missense variant.
Genome position (GRCh38, 1-based): chr12:132,679,578, A>G on the plus strand (T>C on the coding strand, the complement: POLE is on the minus strand). VCF-style: chr12-132679578-A-G. GRCh37 (hg19) VCF-style: chr12-133256164-A-G.
Other names: c.497T>C (NM_006231.2); short protein forms V166A.
Identifiers: ClinVar variation 1497626 (VCV001497626.9), dbSNP rs2136027469, ClinGen allele CA387367184.